The following is an entry in ClinVar:

NM_152672.6(SLC51A):c.278C>G (p.Ser93Trp)

Gene: SLC51A (solute carrier family 51 member A; plus strand). Cytogenetic location: 3q29.
Variant type: single nucleotide variant.
Coding change: c.278C>G on transcript NM_152672.6 (MANE Select); coding-DNA position 278, C replaced by G.
Protein change: p.Ser93Trp; replaces serine 93 with tryptophan.
Molecular consequence: missense variant.
Genome position (GRCh38, 1-based): chr3:196,227,109, C>G. VCF-style: chr3-196227109-C-G. GRCh37 (hg19) VCF-style: chr3-195953980-C-G.
Other names: short protein forms S93W.
Identifiers: ClinVar variation 3357307 (VCV003357307.1).

ClinVar aggregate classification (germline): Uncertain significance (0 of 4 stars; one submission).

Conditions:
SLC51A-related disorder. Also called: SLC51A-related condition.

gnomAD v4.1: 30 of 1,613,778 alleles (0.0019%); highest among the groups gnomAD compares: Non-Finnish European, 0.0025%; no homozygotes.

Submission:

PreventionGenetics, part of Exact Sciences
Classification: Uncertain significance for SLC51A-related condition. Last evaluated: 2024-09-03. Review status: no assertion criteria provided. Collection method: clinical testing. Allele origin: germline.
Comment: The SLC51A c.278C>G variant is predicted to result in the amino acid substitution p.Ser93Trp. To our knowledge, this variant has not been reported in the literature. This variant is reported in 0.00088% of alleles in individuals of European (Non-Finnish) descent in gnomAD. At this time, the clinical significance of this variant is uncertain due to the absence of conclusive functional and genetic evidence.